The following is an entry in ClinVar:

NM_001167623.2(CACNA1C):c.1185C>T (p.Phe395=)

Gene: CACNA1C (calcium voltage-gated channel subunit alpha1 C; plus strand). Cytogenetic location: 12p13.33.
Variant type: single nucleotide variant.
Coding change: c.1185C>T on transcript NM_001167623.2 (MANE Plus Clinical); coding-DNA position 1185, C replaced by T.
Protein change: p.Phe395=; no amino-acid change (phenylalanine 395 retained).
Molecular consequence: synonymous variant. On other transcripts: intron variant (19).
Genome position (GRCh38, 1-based): chr12:2,504,507, C>T. VCF-style: chr12-2504507-C-T. GRCh37 (hg19) VCF-style: chr12-2613673-C-T.
Other names: c.1185C>T, p.Phe395= (NM_001129840.2, NM_001167624.3, NM_001167625.2); c.1114-335C>T (NM_199460.4, NM_001129827.2, NM_001129832.2 and 15 more transcripts); c.1105-335C>T (NM_001129844.2); c.1185C>T (NM_001167625.1).
Identifiers: ClinVar variation 2155935 (VCV002155935.6), dbSNP rs1455190942, ClinGen allele CA603039878.

ClinVar aggregate classification (germline): Likely benign. Review status: criteria provided, single submitter (1 of 4 stars). 2 submissions from 2 submitters: Likely benign (1). 1 of the submissions does not count toward it. Last evaluated 2023-11-21.

Conditions:
CACNA1C-related disorder. Also called: CACNA1C-related disorders; CACNA1C-related condition. Identifiers: MedGen CN381092, MONDO:0700321.
Long QT syndrome (LQTS). Identifiers: MedGen C0023976, MeSH D008133, MONDO:0002442. Disease mechanism: loss of function. Inheritance: Various modes of inheritance.

Allele frequency attached by ClinVar (database versions not stated): gnomAD exomes below 0.00001; TOPMed below 0.00001; gnomAD 0.00001.
gnomAD v4.1: 4 of 1,610,602 alleles (0.00025%); highest among the groups gnomAD compares: African/African-American, 0.0027%; no homozygotes.

Submissions (2):

Labcorp Genetics (formerly Invitae), Labcorp
Classification: Likely benign for Long QT syndrome. Last evaluated: 2023-11-21. Review status: criteria provided, single submitter. Criteria: Invitae Variant Classification Sherloc (09022015). Collection method: clinical testing. Allele origin: germline.

PreventionGenetics, part of Exact Sciences
Classification: Likely benign for CACNA1C-related condition. Last evaluated: 2019-07-30. Review status: no assertion criteria provided. Collection method: clinical testing. Allele origin: germline. Not counted in ClinVar's aggregate classification.
Comment: This variant is classified as likely benign based on ACMG/AMP sequence variant interpretation guidelines (Richards et al. 2015 PMID: 25741868, with internal and published modifications).